The following is an entry in ClinVar:

NM_018398.3(CACNA2D3):c.1447G>T (p.Val483Leu)

Gene: CACNA2D3 (calcium voltage-gated channel auxiliary subunit alpha2delta 3; plus strand). Cytogenetic location: 3p14.3.
Variant type: single nucleotide variant.
Coding change: c.1447G>T on transcript NM_018398.3 (MANE Select); coding-DNA position 1447, G replaced by T.
Protein change: p.Val483Leu; replaces valine 483 with leucine.
Molecular consequence: missense variant.
Genome position (GRCh38, 1-based): chr3:54,837,207, G>T. VCF-style: chr3-54837207-G-T. GRCh37 (hg19) VCF-style: chr3-54871234-G-T.
Other names: short protein forms V483L.
Identifiers: ClinVar variation 4996244 (VCV004996244.1).

ClinVar aggregate classification (germline): Uncertain significance (1 of 4 stars; one submission).

Conditions:
CACNA2D3-related disorder. Also called: CACNA2D3-related condition.

gnomAD v4.1: 47 of 1,613,998 alleles (0.0029%); highest among the groups gnomAD compares: Admixed American, 0.06%; 1 homozygote.

Submission:

PreventionGenetics, part of Exact Sciences
Classification: Uncertain significance for CACNA2D3-related condition. Last evaluated: 2025-05-18. Review status: criteria provided, single submitter. Criteria: ACMG Guidelines, 2015. Collection method: clinical testing. Allele origin: germline.
Comment: The CACNA2D3 c.1447G>T variant is predicted to result in the amino acid substitution p.Val483Leu. To our knowledge, this variant has not been reported in the literature. This variant is reported in 0.014% of alleles in individuals of Latino descent in gnomAD. At this time, the clinical significance of this variant is uncertain due to the absence of conclusive functional and genetic evidence.